The following is an entry in ClinVar:

ClinVar aggregate classification (germline): Conflicting classifications of pathogenicity. Review status: criteria provided, conflicting classifications (1 of 4 stars). 3 submissions from 3 submitters: Pathogenic (1); Likely pathogenic (1); Uncertain significance (1). Last evaluated 2024-01-01.

Submissions (3):

CeGaT Center for Human Genetics Tuebingen
Classification: Uncertain significance. Last evaluated: 2024-01-01. Review status: criteria provided, single submitter. Criteria: CeGaT Center For Human Genetics Tuebingen Variant Classification Criteria Version 2. Collection method: clinical testing. Allele origin: germline. Affected: yes. Observed: 1 variant allele.
Comment: SLC24A5: PM2, PM3, PP4

Labcorp Genetics (formerly Invitae), Labcorp
Classification: Pathogenic. Last evaluated: 2023-11-07. Review status: criteria provided, single submitter. Criteria: Invitae Variant Classification Sherloc (09022015). Collection method: clinical testing. Allele origin: germline.
Comment: This sequence change replaces serine, which is neutral and polar, with arginine, which is basic and polar, at codon 182 of the SLC24A5 protein (p.Ser182Arg). This variant is not present in population databases (gnomAD no frequency). This missense change has been observed in individual(s) with oculocutaneous albinism type VI (PMID: 23985994, 29345414). In at least one individual the data is consistent with being in trans (on the opposite chromosome) from a pathogenic variant. ClinVar contains an entry for this variant (Variation ID: 372809). Advanced modeling of protein sequence and biophysical properties (such as structural, functional, and spatial information, amino acid conservation, physicochemical variation, residue mobility, and thermodynamic stability) performed at Invitae indicates that this missense variant is expected to disrupt SLC24A5 protein function with a positive predictive value of 80%. Experimental studies have shown that this missense change affects SLC24A5 function (PMID: 27129268, 32274888). For these reasons, this variant has been classified as Pathogenic.

GeneDx
Classification: Likely pathogenic. Last evaluated: 2016-05-10. Review status: criteria provided, single submitter. Criteria: GeneDx Variant Classification (06012015). Collection method: clinical testing. Allele origin: germline. Affected: yes.
Comment: The S182R variant was not observed in approximately 6500 individuals of European and African American ancestry in the NHLBI Exome Sequencing Project, indicating it is not a common benign variant in these populations. The S182R variant is a semi-conservative amino acid substitution, which may impact secondary protein structure as these residues differ in some properties. This substitution occurs at a position that is conserved across species. In silico analysis predicts this variant is probably damaging to the protein structure/function. The S182R variant is a strong candidate for a pathogenic variant, however the possibility it may be a rare benign variant cannot be excluded.

Literature cited by the submitters: PubMed 23985994 (cited by Labcorp Genetics (formerly Invitae), Labcorp); PubMed 29345414 (cited by Labcorp Genetics (formerly Invitae), Labcorp); PubMed 27129268 (cited by Labcorp Genetics (formerly Invitae), Labcorp); PubMed 32274888 (cited by Labcorp Genetics (formerly Invitae), Labcorp).

NM_205850.3(SLC24A5):c.546T>A (p.Ser182Arg)

Genes: MYEF2 (myelin expression factor 2; minus strand), SLC24A5 (solute carrier family 24 member 5; plus strand). Cytogenetic location: 15q21.1.
Variant type: single nucleotide variant.
Coding change: c.546T>A on transcript NM_205850.3 (MANE Select); coding-DNA position 546, T replaced by A.
Protein change: p.Ser182Arg; replaces serine 182 with arginine.
Molecular consequence: missense variant. On other transcripts: 3 prime UTR variant (2).
Genome position (GRCh38, 1-based): chr15:48,134,940, T>A. VCF-style: chr15-48134940-T-A. GRCh37 (hg19) VCF-style: chr15-48427137-T-A.
Other names: c.*7968A>T (NM_001301210.2, NM_016132.5); short protein forms S182R.
Identifiers: ClinVar variation 372809 (VCV000372809.26), dbSNP rs1057517995, ClinGen allele CA16042928.
Genomic context (GRCh38, chr15:48,134,940, plus strand): 5'-ACAGGTCTCAACACTATCATGTTGGCCCCTATTCAGAGACTGTGCAGCGTACACAATTAG[T>A]GCAGCAGCAGTTCTTGGTATAATATATGACAACCAAGTTTACTGGTAAGCTTGAAAATAA-3'
Protein context (NP_995322.1, residues 172-192): LFRDCAAYTI[Ser182Arg]AAAVLGIIYD